The following is an entry in ClinVar:

ClinVar aggregate classification (germline): Uncertain significance (1 of 4 stars; one submission).

Conditions:
Hereditary cancer-predisposing syndrome. Also called: Neoplastic Syndromes, Hereditary; Tumor predisposition; Hereditary Cancer Syndrome; Hereditary neoplastic syndrome. Identifiers: Orphanet 140162, MedGen C0027672, MeSH D009386, MONDO:0015356.

gnomAD v4.1: 1 of 1,614,130 alleles (0.000062%); highest among the groups gnomAD compares: Non-Finnish European, 0.000085%; no homozygotes.

Submission:

Ambry Genetics
Classification: Uncertain significance for Hereditary cancer-predisposing syndrome. Last evaluated: 2025-11-26. Review status: criteria provided, single submitter. Criteria: Ambry Variant Classification Scheme 2023. Collection method: clinical testing. Allele origin: germline.
Comment: The p.A608S variant (also known as c.1822G>T), located in coding exon 17 of the POLE gene, results from a G to T substitution at nucleotide position 1822. The alanine at codon 608 is replaced by serine, an amino acid with similar properties. This amino acid position is conserved. In addition, this alteration is predicted to be tolerated by in silico analysis. Based on the available evidence, the clinical significance of this variant remains unclear.

NM_006231.4(POLE):c.1822G>T (p.Ala608Ser)

Gene: POLE (DNA polymerase epsilon, catalytic subunit; minus strand). Cytogenetic location: 12q24.33.
Variant type: single nucleotide variant.
Coding change: c.1822G>T on transcript NM_006231.4 (MANE Select); coding-DNA position 1822, G replaced by T.
Protein change: p.Ala608Ser; replaces alanine 608 with serine.
Molecular consequence: missense variant.
Genome position (GRCh38, 1-based): chr12:132,668,912, C>A on the plus strand (G>T on the coding strand, the complement: POLE is on the minus strand). VCF-style: chr12-132668912-C-A. GRCh37 (hg19) VCF-style: chr12-133245498-C-A.
Other names: short protein forms A608S.
Identifiers: ClinVar variation 4672567 (VCV004672567.1).